The following is an entry in ClinVar:

ClinVar aggregate classification (germline): Uncertain significance (1 of 4 stars; one submission).

Conditions:
Mitochondrial hypertrophic cardiomyopathy with lactic acidosis due to MTO1 deficiency. Also called: CARDIOMYOPATHY, INFANTILE HYPERTROPHIC MITOCHONDRIAL, AND LACTIC ACIDOSIS; Combined oxidative phosphorylation deficiency 10. Identifiers: Orphanet 314637, MedGen C4749921, MONDO:0013865, OMIM 614702.

Submission:

Labcorp Genetics (formerly Invitae), Labcorp
Classification: Uncertain significance for Mitochondrial hypertrophic cardiomyopathy with lactic acidosis due to MTO1 deficiency. Last evaluated: 2024-04-10. Review status: criteria provided, single submitter. Criteria: Invitae Variant Classification Sherloc (09022015). Collection method: clinical testing. Allele origin: germline.
Comment: This sequence change replaces lysine, which is basic and polar, with glutamic acid, which is acidic and polar, at codon 574 of the MTO1 protein (p.Lys574Glu). This variant is not present in population databases (gnomAD no frequency). This variant has not been reported in the literature in individuals affected with MTO1-related conditions. ClinVar contains an entry for this variant (Variation ID: 1511634). Advanced modeling of protein sequence and biophysical properties (such as structural, functional, and spatial information, amino acid conservation, physicochemical variation, residue mobility, and thermodynamic stability) performed at Invitae indicates that this missense variant is not expected to disrupt MTO1 protein function with a negative predictive value of 95%. In summary, the available evidence is currently insufficient to determine the role of this variant in disease. Therefore, it has been classified as a Variant of Uncertain Significance.

NM_012123.4(MTO1):c.1720A>G (p.Lys574Glu)

Gene: MTO1 (mitochondrial tRNA translation optimization 1; plus strand). Cytogenetic location: 6q13.
Variant type: single nucleotide variant.
Coding change: c.1720A>G on transcript NM_012123.4 (MANE Select); coding-DNA position 1720, A replaced by G.
Protein change: p.Lys574Glu; replaces lysine 574 with glutamic acid.
Molecular consequence: missense variant.
Genome position (GRCh38, 1-based): chr6:73,492,316, A>G. VCF-style: chr6-73492316-A-G. GRCh37 (hg19) VCF-style: chr6-74202039-A-G.
Other names: c.1840A>G, p.Lys614Glu (NM_001123226.2); c.1795A>G, p.Lys599Glu (NM_133645.3); short protein forms K614E, K599E, K574E.
Identifiers: ClinVar variation 1511634 (VCV001511634.6), dbSNP rs2150042299, ClinGen allele CA364700223.